The following is an entry in ClinVar:

ClinVar aggregate classification (germline): Uncertain significance (1 of 4 stars; one submission).

Submission:

Labcorp Genetics (formerly Invitae), Labcorp
Classification: Uncertain significance. Last evaluated: 2024-01-15. Review status: criteria provided, single submitter. Criteria: Invitae Variant Classification Sherloc (09022015). Collection method: clinical testing. Allele origin: germline.
Comment: This variant results in a copy number gain of the genomic region encompassing exon(s) 4-5 of the H6PD gene. This region includes the termination codon of the gene. This copy number gain extends beyond the assayed region for this gene and therefore may encompass additional genes. As the precise location of this event is unknown, it may be in tandem or it may be located elsewhere in the genome. This variant has not been reported in the literature in individuals affected with H6PD-related conditions. Experimental studies and prediction algorithms are not available or were not evaluated, and the functional significance of this variant is currently unknown. In summary, the available evidence is currently insufficient to determine the role of this variant in disease. Therefore, it has been classified as a Variant of Uncertain Significance.

NC_000001.10:g.(?_9322098)_(9324928_?)dup

Gene: H6PD (hexose-6-phosphate dehydrogenase/glucose 1-dehydrogenase; plus strand). Cytogenetic location: 1p36.22.
Variant type: Duplication.
Identifiers: ClinVar variation 1432902 (VCV001432902.5).